The following is an entry in ClinVar:

NM_015272.5(RPGRIP1L):c.694C>T (p.Leu232=)

Gene: RPGRIP1L (RPGRIP1 like; minus strand). Cytogenetic location: 16q12.2.
Variant type: single nucleotide variant.
Coding change: c.694C>T on transcript NM_015272.5 (MANE Select); coding-DNA position 694, C replaced by T.
Protein change: p.Leu232=; no amino-acid change (leucine 232 retained).
Molecular consequence: synonymous variant.
Genome position (GRCh38, 1-based): chr16:53,686,515, G>A on the plus strand (C>T on the coding strand, the complement: RPGRIP1L is on the minus strand). VCF-style: chr16-53686515-G-A. GRCh37 (hg19) VCF-style: chr16-53720427-G-A.
Other names: c.694C>T, p.Leu232= (NM_001127897.4, NM_001308334.3, NM_001330538.2).
Identifiers: ClinVar variation 4996206 (VCV004996206.1).

ClinVar aggregate classification (germline): Likely benign (1 of 4 stars; one submission).

Conditions:
RPGRIP1L-related disorder. Also called: RPGRIP1L-related disorders; RPGRIP1L-related condition. Identifiers: MedGen CN239416.

Submission:

PreventionGenetics, part of Exact Sciences
Classification: Likely benign for RPGRIP1L-related condition. Last evaluated: 2025-12-18. Review status: criteria provided, single submitter. Criteria: ACMG Guidelines, 2015. Collection method: clinical testing. Allele origin: germline.
Comment: This variant is classified as likely benign based on ACMG/AMP sequence variant interpretation guidelines (Richards et al. 2015 PMID: 25741868, with internal and published modifications).